The following is an entry in ClinVar:

NM_206933.4(USH2A):c.11261G>A (p.Gly3754Glu)

Gene: USH2A (usherin; minus strand). Cytogenetic location: 1q41.
Variant type: single nucleotide variant.
Coding change: c.11261G>A on transcript NM_206933.4 (MANE Select); coding-DNA position 11261, G replaced by A.
Protein change: p.Gly3754Glu; replaces glycine 3754 with glutamic acid.
Molecular consequence: missense variant.
Genome position (GRCh38, 1-based): chr1:215,758,723, C>T on the plus strand (G>A on the coding strand, the complement: USH2A is on the minus strand). VCF-style: chr1-215758723-C-T. GRCh37 (hg19) VCF-style: chr1-215932065-C-T.
Other names: short protein forms G3754E.
Identifiers: ClinVar variation 1022602 (VCV001022602.8), dbSNP rs1660888048, ClinGen allele CA344821131.

ClinVar aggregate classification (germline): Uncertain significance (1 of 4 stars; one submission).

Submission:

Labcorp Genetics (formerly Invitae), Labcorp
Classification: Uncertain significance. Last evaluated: 2023-07-17. Review status: criteria provided, single submitter. Criteria: Invitae Variant Classification Sherloc (09022015). Collection method: clinical testing. Allele origin: germline.
Comment: This variant is not present in population databases (gnomAD no frequency). This sequence change replaces glycine, which is neutral and non-polar, with glutamic acid, which is acidic and polar, at codon 3754 of the USH2A protein (p.Gly3754Glu). This variant has not been reported in the literature in individuals affected with USH2A-related conditions. In summary, the available evidence is currently insufficient to determine the role of this variant in disease. Therefore, it has been classified as a Variant of Uncertain Significance. Advanced modeling of protein sequence and biophysical properties (such as structural, functional, and spatial information, amino acid conservation, physicochemical variation, residue mobility, and thermodynamic stability) performed at Invitae indicates that this missense variant is not expected to disrupt USH2A protein function. ClinVar contains an entry for this variant (Variation ID: 1022602).